The following is an entry in ClinVar:

ClinVar aggregate classification (germline): Likely pathogenic. Review status: criteria provided, single submitter (1 of 4 stars). 2 submissions from 2 submitters: Likely pathogenic (1). 1 of the submissions does not count toward it. Last evaluated 2022-08-12.

Conditions:
Chronic granuloma and hemolytic anemia. Identifiers: MedGen C4016535.
Anemia, nonspherocytic hemolytic, due to G6PD deficiency (CNSHA1). Also called: Hemolytic anemia due to G6PD deficiency; Favism, susceptibility to; Class I glucose-6-phosphate dehydrogenase deficiency; ANEMIA, CONGENITAL, NONSPHEROCYTIC HEMOLYTIC, 1. Identifiers: Orphanet 466026, MedGen C2720289, MONDO:0010480, OMIM 300908.

Submissions (2):

Dunham Lab, University of Washington
Classification: Likely pathogenic for Anemia, nonspherocytic hemolytic, due to G6PD deficiency. Last evaluated: 2022-08-12. Review status: criteria provided, single submitter. Criteria: Bayesian ACMG Guidelines, 2018. Collection method: curation. Allele origin: maternal. Affected: yes.
Comment: Variant found in three hemizygous brothers with severe G6PD deficiency, and in heterozygous mother with high reticulocyte count (PP4, PP1). Undetectable activity or protein in red blood cells or leukocytes of hemizygote, and decreased activity in heterozygote (60%) (PS3). Each nucleotide change is below expected carrier frequency in gnomAD (PM2). Post_P 0.975 (odds of pathogenicity 350.3, Prior_P 0.1).

OMIM
Classification: Pathogenic for CHRONIC GRANULOMA AND HEMOLYTIC ANEMIA. Last evaluated: 1992-08-01. Review status: no assertion criteria provided. Collection method: literature only. Allele origin: germline. Not counted in ClinVar's aggregate classification.

Literature cited by the submitters: PubMed 4125296 (cited by Dunham Lab, University of Washington and OMIM); PubMed 1353664 (cited by Dunham Lab, University of Washington and OMIM).

NM_001042351.1(G6PD):c.[317C>G;544C>T;592C>T]

Variant type: Haplotype.
Identifiers: ClinVar variation 10392 (VCV000010392.4).